The following is an entry in ClinVar:

ClinVar aggregate classification (germline): Uncertain significance (1 of 4 stars; one submission).

Conditions:
Fibrous dysplasia of jaw (CRBM). Also called: Cherubism. Identifiers: Orphanet 184, MedGen C0008029, MONDO:0007315, OMIM 118400.

Allele frequency attached by ClinVar (database versions not stated): gnomAD exomes 0.00001 and 0.00002; TOPMed 0.00002; ExAC 0.00003.
gnomAD v4.1: 13 of 1,613,164 alleles (0.00081%); highest among the groups gnomAD compares: Admixed American, 0.0033%; no homozygotes.

Submission:

Labcorp Genetics (formerly Invitae), Labcorp
Classification: Uncertain significance for Fibrous dysplasia of jaw. Last evaluated: 2023-10-28. Review status: criteria provided, single submitter. Criteria: Invitae Variant Classification Sherloc (09022015). Collection method: clinical testing. Allele origin: germline.
Comment: This sequence change replaces aspartic acid, which is acidic and polar, with asparagine, which is neutral and polar, at codon 253 of the SH3BP2 protein (p.Asp253Asn). This variant is present in population databases (rs763881667, gnomAD 0.006%). This variant has not been reported in the literature in individuals affected with SH3BP2-related conditions. ClinVar contains an entry for this variant (Variation ID: 1060420). Advanced modeling of protein sequence and biophysical properties (such as structural, functional, and spatial information, amino acid conservation, physicochemical variation, residue mobility, and thermodynamic stability) performed at Invitae indicates that this missense variant is not expected to disrupt SH3BP2 protein function with a negative predictive value of 80%. In summary, the available evidence is currently insufficient to determine the role of this variant in disease. Therefore, it has been classified as a Variant of Uncertain Significance.

NM_001122681.2(SH3BP2):c.757G>A (p.Asp253Asn)

Gene: SH3BP2 (SH3 domain binding protein 2; plus strand). Cytogenetic location: 4p16.3.
Variant type: single nucleotide variant.
Coding change: c.757G>A on transcript NM_001122681.2 (MANE Select); coding-DNA position 757, G replaced by A.
Protein change: p.Asp253Asn; replaces aspartic acid 253 with asparagine.
Molecular consequence: missense variant.
Genome position (GRCh38, 1-based): chr4:2,829,663, G>A. VCF-style: chr4-2829663-G-A. GRCh37 (hg19) VCF-style: chr4-2831390-G-A.
Other names: c.841G>A, p.Asp281Asn (NM_001145855.2); c.928G>A, p.Asp310Asn (NM_001145856.2); c.757G>A, p.Asp253Asn (NM_003023.4); short protein forms D253N, D281N, D310N.
Identifiers: ClinVar variation 1060420 (VCV001060420.9), dbSNP rs763881667, ClinGen allele CA2819311.